The following is an entry in ClinVar:

ClinVar aggregate classification (germline): Pathogenic (1 of 4 stars; one submission).

Conditions:
Transcobalamin II deficiency (TCN2D). Also called: TC II DEFICIENCY; TCN2 DEFICIENCY; Transcolabamin II deficiency. Identifiers: Orphanet 859, MedGen C0342701, MONDO:0010149, OMIM 275350.

Submission:

Labcorp Genetics (formerly Invitae), Labcorp
Classification: Pathogenic for Transcobalamin II deficiency. Last evaluated: 2025-10-27. Review status: criteria provided, single submitter. Criteria: Invitae Variant Classification Sherloc (09022015). Collection method: clinical testing. Allele origin: germline.
Comment: This sequence change creates a premature translational stop signal (p.Leu39Phefs*55) in the TCN2 gene. It is expected to result in an absent or disrupted protein product. Loss-of-function variants in TCN2 are known to be pathogenic (PMID: 7980584, 20352340). This variant is not present in population databases (gnomAD no frequency). This variant has not been reported in the literature in individuals affected with TCN2-related conditions. For these reasons, this variant has been classified as Pathogenic.

Literature cited by the submitters: PubMed 7980584; PubMed 20352340.

NM_000355.4(TCN2):c.116dup (p.Leu39fs)

Gene: TCN2 (transcobalamin 2; plus strand). Cytogenetic location: 22q12.2.
Variant type: Duplication.
Coding change: c.116dup on transcript NM_000355.4 (MANE Select); coding-DNA position 116, one base duplicated (T; older notation c.116dupT).
Protein change: p.Leu39fs; shifts the reading frame from leucine 39.
Molecular consequence: frameshift variant.
Genome position (GRCh38, 1-based): chr22:30,610,922, T duplicated; the last of 2 consecutive T bases (chr22:30,610,921-30,610,922); duplicating either gives the same sequence. VCF-style (leftmost placement, unchanged base first): chr22-30610920-C-CT. GRCh37 (hg19) VCF-style: chr22-31006907-C-CT.
Other names: c.116dup, p.Leu39fs (NM_001184726.2); short protein forms L39fs.
Identifiers: ClinVar variation 4730031 (VCV004730031.1).